The following is an entry in ClinVar:

NM_001365951.3(KIF1B):c.1943C>T (p.Pro648Leu)

Gene: KIF1B (kinesin family member 1B; plus strand). Cytogenetic location: 1p36.22.
Variant type: single nucleotide variant.
Coding change: c.1943C>T on transcript NM_001365951.3 (MANE Select); coding-DNA position 1943, C replaced by T.
Protein change: p.Pro648Leu; replaces proline 648 with leucine.
Molecular consequence: missense variant.
Genome position (GRCh38, 1-based): chr1:10,296,978, C>T. VCF-style: chr1-10296978-C-T. GRCh37 (hg19) VCF-style: chr1-10357036-C-T.
Other names: c.1943C>T, p.Pro648Leu (NM_001365952.1); c.1805C>T, p.Pro602Leu (NM_001365953.1, NM_015074.3, NM_183416.4); short protein forms P602L, P648L.
Identifiers: ClinVar variation 3226369 (VCV003226369.1), dbSNP rs771169398, ClinGen allele CA338316860.

ClinVar aggregate classification (germline): Uncertain significance (1 of 4 stars; one submission).

Submission:

Ambry Genetics
Classification: Uncertain significance. Last evaluated: 2024-02-24. Review status: criteria provided, single submitter. Criteria: Ambry Variant Classification Scheme 2023. Collection method: clinical testing. Allele origin: germline.
Comment: The p.P602L variant (also known as c.1805C>T), located in coding exon 18 of the KIF1B gene, results from a C to T substitution at nucleotide position 1805. The proline at codon 602 is replaced by leucine, an amino acid with similar properties. This amino acid position is conserved. In addition, the in silico prediction for this alteration is inconclusive. Based on the available evidence, the clinical significance of this alteration remains unclear.